The following is an entry in ClinVar:

NM_007118.4(TRIO):c.2889C>T (p.Ser963=)

Gene: TRIO (trio Rho guanine nucleotide exchange factor; plus strand). Cytogenetic location: 5p15.2.
Variant type: single nucleotide variant.
Coding change: c.2889C>T on transcript NM_007118.4 (MANE Select); coding-DNA position 2889, C replaced by T.
Protein change: p.Ser963=; no amino-acid change (serine 963 retained).
Molecular consequence: synonymous variant. On other transcripts: non-coding transcript variant (1).
Genome position (GRCh38, 1-based): chr5:14,368,722, C>T. VCF-style: chr5-14368722-C-T. GRCh37 (hg19) VCF-style: chr5-14368831-C-T.
Identifiers: ClinVar variation 746568 (VCV000746568.40), dbSNP rs10064745, ClinGen allele CA3206037.

ClinVar aggregate classification (germline): Benign/Likely benign. Review status: criteria provided, multiple submitters, no conflicts (2 of 4 stars). 4 submissions from 4 submitters: Benign (2); Likely benign (2). Last evaluated 2026-05-01.

Allele frequency attached by ClinVar (database versions not stated): gnomAD exomes 0.00027 and 0.00056; ExAC 0.00068; gnomAD 0.00113 and 0.00117; TOPMed 0.00117; ESP Exome Variant Server 0.00146; 1000 Genomes Project 0.00240; 1000 Genomes Project 30x 0.00281.
gnomAD v4.1: 583 of 1,613,600 alleles (0.036%); highest among the groups gnomAD compares: African/African-American, 0.4%; 5 homozygotes.

Submissions (4):

CeGaT Center for Human Genetics Tuebingen
Classification: Likely benign. Last evaluated: 2026-05-01. Review status: criteria provided, single submitter. Criteria: CeGaT Center For Human Genetics Tuebingen Variant Classification Criteria Version 2. Collection method: clinical testing. Allele origin: germline. Affected: yes. Observed: 3 variant alleles.
Comment: TRIO: BP4, BP7, BS1

Blueprint Genetics
Classification: Likely benign. Last evaluated: 2024-08-15. Review status: criteria provided, single submitter. Criteria: ACMG Guidelines, 2015. Collection method: clinical testing. Allele origin: germline.

GeneDx
Classification: Benign. Last evaluated: 2021-05-24. Review status: criteria provided, single submitter. Criteria: GeneDx Variant Classification Process June 2021. Collection method: clinical testing. Allele origin: germline. Affected: yes.

Labcorp Genetics (formerly Invitae), Labcorp
Classification: Benign. Last evaluated: 2019-12-31. Review status: criteria provided, single submitter. Criteria: Invitae Variant Classification Sherloc (09022015). Collection method: clinical testing. Allele origin: germline.